The following is an entry in ClinVar:

ClinVar aggregate classification (germline): Pathogenic (1 of 4 stars; one submission).

Submission:

Labcorp Genetics (formerly Invitae), Labcorp
Classification: Pathogenic. Last evaluated: 2021-05-11. Review status: criteria provided, single submitter. Criteria: Invitae Variant Classification Sherloc (09022015). Collection method: clinical testing. Allele origin: germline.
Comment: For these reasons, this variant has been classified as Pathogenic. This sequence change creates a premature translational stop signal (p.Trp58*) in the EYS gene. It is expected to result in an absent or disrupted protein product. Loss-of-function variants in EYS are known to be pathogenic (PMID: 18836446, 20333770). This variant is not present in population databases (ExAC no frequency). This variant has not been reported in the literature in individuals with EYS-related conditions.

Literature cited by the submitters: PubMed 18836446; PubMed 20333770.

NM_001142800.2(EYS):c.173G>A (p.Trp58Ter)

Gene: EYS (EGF-like photoreceptor maintenance factor; minus strand). Cytogenetic location: 6q12.
Variant type: single nucleotide variant.
Coding change: c.173G>A on transcript NM_001142800.2 (MANE Select); coding-DNA position 173, G replaced by A.
Protein change: p.Trp58Ter; replaces tryptophan 58 with a stop codon.
Molecular consequence: nonsense.
Genome position (GRCh38, 1-based): chr6:65,495,238, C>T on the plus strand (G>A on the coding strand, the complement: EYS is on the minus strand). VCF-style: chr6-65495238-C-T. GRCh37 (hg19) VCF-style: chr6-66205131-C-T.
Other names: c.173G>A, p.Trp58Ter (NM_001142801.2, NM_001292009.2, NM_198283.2); short protein forms W58*.
Identifiers: ClinVar variation 1451925 (VCV001451925.6), dbSNP rs2127271728, ClinGen allele CA364790486.